The following is an entry in ClinVar:

NM_022089.4(ATP13A2):c.146G>T (p.Gly49Val)

Gene: ATP13A2 (ATPase cation transporting 13A2; minus strand). Cytogenetic location: 1p36.13.
Variant type: single nucleotide variant.
Coding change: c.146G>T on transcript NM_022089.4 (MANE Select); coding-DNA position 146, G replaced by T.
Protein change: p.Gly49Val; replaces glycine 49 with valine.
Molecular consequence: missense variant.
Genome position (GRCh38, 1-based): chr1:17,005,516, C>A on the plus strand (G>T on the coding strand, the complement: ATP13A2 is on the minus strand). VCF-style: chr1-17005516-C-A. GRCh37 (hg19) VCF-style: chr1-17332011-C-A.
Other names: c.146G>T, p.Gly49Val (NM_001141973.3, NM_001141974.3); short protein forms G49V.
Identifiers: ClinVar variation 845664 (VCV000845664.10), dbSNP rs372254666, ClinGen allele CA637745.
Genomic context (GRCh38, chr1:17,005,516, plus strand): 5'-GGCTTCCAACGGAAGAGCAGCAAAGGGATCCCAGCCATCATCCAGACCACGACGTGATAG[C>A]CGATGACCCTCCATGGACTGCCACAGTAGCCGCTGAGCCTCTGCGAACGCAGCGAGAGAG-3'
Protein context (NP_071372.1, residues 39-59): GYCGSPWRVI[Gly49Val]YHVVVWMMAG

ClinVar aggregate classification (germline): Uncertain significance. Review status: criteria provided, multiple submitters, no conflicts (2 of 4 stars). 3 submissions from 3 submitters: Uncertain significance (3). Last evaluated 2021-09-02.

Conditions:
Kufor-Rakeb syndrome (KRS). Also called: PARKINSON DISEASE 9, AUTOSOMAL RECESSIVE, JUVENILE-ONSET. Identifiers: Orphanet 306674, Orphanet 314632, MedGen C1847640, MONDO:0011706, OMIM 606693.
Autosomal recessive spastic paraplegia type 78. Identifiers: Orphanet 513436, MedGen C5567893, MONDO:0014975, OMIM 617225.
Inborn genetic diseases. Identifiers: MedGen C0950123, MeSH D030342.

Allele frequency attached by ClinVar (database versions not stated): ExAC 0.00001; gnomAD 0.00001; gnomAD exomes 0.00001; TOPMed 0.00001; ESP Exome Variant Server 0.00008.
gnomAD v4.1: 20 of 1,614,126 alleles (0.0012%); highest among the groups gnomAD compares: Non-Finnish European, 0.0017%; no homozygotes.

Submissions (3):

Labcorp Genetics (formerly Invitae), Labcorp
Classification: Uncertain significance for Kufor-Rakeb syndrome; Autosomal recessive spastic paraplegia type 78. Last evaluated: 2021-09-02. Review status: criteria provided, single submitter. Criteria: Invitae Variant Classification Sherloc (09022015). Collection method: clinical testing. Allele origin: germline.
Comment: This sequence change replaces glycine with valine at codon 49 of the ATP13A2 protein (p.Gly49Val). The glycine residue is weakly conserved and there is a moderate physicochemical difference between glycine and valine. This variant is present in population databases (rs372254666, ExAC 0.002%). This variant has not been reported in the literature in individuals affected with ATP13A2-related conditions. Algorithms developed to predict the effect of missense changes on protein structure and function are either unavailable or do not agree on the potential impact of this missense change (SIFT: "Tolerated"; PolyPhen-2: "Possibly Damaging"; Align-GVGD: "Class C0"). In summary, the available evidence is currently insufficient to determine the role of this variant in disease. Therefore, it has been classified as a Variant of Uncertain Significance.

Mayo Clinic Laboratories, Mayo Clinic
Classification: Uncertain significance. Last evaluated: 2019-06-09. Review status: criteria provided, single submitter. Criteria: ACMG Guidelines, 2015. Collection method: clinical testing. Allele origin: germline. Observed: 1 variant allele.

Ambry Genetics
Classification: Uncertain significance for Inborn genetic diseases. Last evaluated: 2019-02-08. Review status: criteria provided, single submitter. Criteria: Ambry Variant Classification Scheme 2023. Collection method: clinical testing. Allele origin: germline.
Comment: The p.G49V variant (also known as c.146G>T), located in coding exon 3 of the ATP13A2 gene, results from a G to T substitution at nucleotide position 146. The glycine at codon 49 is replaced by valine, an amino acid with dissimilar properties. This amino acid position is well conserved in available vertebrate species. In addition, this alteration is predicted to be tolerated by in silico analysis. Since supporting evidence is limited at this time, the clinical significance of this alteration remains unclear.